The following is an entry in ClinVar:

NM_001033855.3(DCLRE1C):c.1379AAG[2] (p.Glu462del)

Gene: DCLRE1C (DNA cross-link repair 1C; minus strand). Cytogenetic location: 10p13.
Variant type: Microsatellite.
Coding change: c.1379AAG[2] on transcript NM_001033855.3 (MANE Select); two copies in a row of the 3-base unit AAG starting at c.1379; the reference has three copies in a row; one copy, 3 bases deleted; also written c.1385_1387del.
Protein change: p.Glu462del; deletes glutamic acid 462.
Molecular consequence: inframe deletion. On other transcripts: non-coding transcript variant (4).
Genome position (GRCh38, 1-based): chr10:14,909,100-14,909,102, CTT deleted on the plus strand (AAG on the coding strand, the reverse complement: DCLRE1C is on the minus strand); deleting any 3 consecutive bases within chr10:14,909,100-14,909,109 gives the same sequence; the position shown is the placement nearest the transcript's 3' end. VCF-style (leftmost placement, unchanged base first): chr10-14909099-ACTT-A. GRCh37 (hg19) VCF-style: chr10-14951098-ACTT-A.
Other names: c.1385_1387del (NM_001033855.2); c.1034AAG[2], p.Glu347del (NM_022487.4, NM_001289076.2, NM_001289078.2 and 1 more transcripts); c.1019AAG[2], p.Glu342del (NM_001033857.3, NM_001033858.3, NM_001289077.2 and 2 more transcripts); c.1379AAG[2], p.Glu462del (NM_001350965.2); short protein forms E462del, E347del, E342del.
Identifiers: ClinVar variation 430113 (VCV000430113.14), dbSNP rs373709012, ClinGen allele CA5416485.
Genomic context (GRCh38, chr10:14,909,099, plus strand): 5'-TCAGCCTTTTGCAGGTGAAGTACAGAGCCCAGATCTCCTTGCAGTGAAGCTGGGATTCCT[ACTT>A]CTTCTTCACTTTCACTGTTGGATTCTTCACAATCTACAAAGTTTGTGAAACGAGAGCTCT-3'

ClinVar aggregate classification (germline): Conflicting classifications of pathogenicity. Review status: criteria provided, conflicting classifications (1 of 4 stars). 3 submissions from 3 submitters: Uncertain significance (1); Likely benign (1). 1 of the submissions does not count toward it. Last evaluated 2026-01-24.

Conditions:
DCLRE1C-related disorder. Also called: DCLRE1C-related condition.
Severe combined immunodeficiency due to DCLRE1C deficiency (RS-SCID). Also called: SCID, AUTOSOMAL RECESSIVE, T CELL-NEGATIVE, B CELL-NEGATIVE, NK CELL-POSITIVE, WITH SENSITIVITY TO IONIZING RADIATION. Identifiers: Orphanet 275, MedGen C1865371, MONDO:0011225, OMIM 602450.

Submissions (3):

Labcorp Genetics (formerly Invitae), Labcorp
Classification: Likely benign for Athabaskan severe combined immunodeficiency. Last evaluated: 2026-01-24. Review status: criteria provided, single submitter. Criteria: Invitae Variant Classification Sherloc (09022015). Collection method: clinical testing. Allele origin: germline.

GeneDx
Classification: Uncertain significance. Last evaluated: 2017-05-17. Review status: criteria provided, single submitter. Criteria: GeneDx Variant Classification (06012015). Collection method: clinical testing. Allele origin: germline. Affected: yes.
Comment: The c.1385_1387delAAG variant has not been published as a pathogenic variant, nor has it been reported as a benign variant to our knowledge. The variant is observed in 26/8652 (0.301%) alleles from individuals of East Asian background in the ExAC dataset (Lek et al., 2016). The variant results in the in-frame deletion of Glutamic acid 462, a residue which is not conserved. In silico analysis is inconsistent in its predictions as to whether or not the variant is damaging to the protein structure/function. In summary, based on the currently available information, it is unclear whether this variant is a pathogenic variant or a rare benign variant.

PreventionGenetics, part of Exact Sciences
Classification: Likely benign for DCLRE1C-related condition. Last evaluated: 2023-07-10. Review status: no assertion criteria provided. Collection method: clinical testing. Allele origin: germline. Not counted in ClinVar's aggregate classification.
Comment: This variant is classified as likely benign based on ACMG/AMP sequence variant interpretation guidelines (Richards et al. 2015 PMID: 25741868, with internal and published modifications).